The following is an entry in ClinVar:

NM_003235.5(TG):c.8168C>T (p.Ser2723Leu)

Gene: TG (thyroglobulin; plus strand). Cytogenetic location: 8q24.22.
Variant type: single nucleotide variant.
Coding change: c.8168C>T on transcript NM_003235.5 (MANE Select); coding-DNA position 8168, C replaced by T.
Protein change: p.Ser2723Leu; replaces serine 2723 with leucine.
Molecular consequence: missense variant.
Genome position (GRCh38, 1-based): chr8:133,133,640, C>T. VCF-style: chr8-133133640-C-T. GRCh37 (hg19) VCF-style: chr8-134145884-C-T.
Other names: short protein forms S2723L.
Identifiers: ClinVar variation 908418 (VCV000908418.6), dbSNP rs763672890, ClinGen allele CA4885912.

ClinVar aggregate classification (germline): Uncertain significance. Review status: criteria provided, multiple submitters, no conflicts (2 of 4 stars). 3 submissions from 3 submitters: Uncertain significance (3). Last evaluated 2024-11-13.

Conditions:
Congenital hypothyroidism. Identifiers: Orphanet 442, MedGen C0010308, MONDO:0018612, HP:0000851.
Iodotyrosyl coupling defect (TDH3). Also called: HYPOTHYROIDISM, CONGENITAL, DUE TO DYSHORMONOGENESIS, 3; THYROID HORMONOGENESIS, GENETIC DEFECT IN, 3. Identifiers: Orphanet 95716, MedGen C0342194, MONDO:0010135, OMIM 274700.
Inborn genetic diseases. Identifiers: MedGen C0950123, MeSH D030342.

Allele frequency attached by ClinVar (database versions not stated): TOPMed 0.00002; gnomAD 0.00004 and 0.00005; gnomAD exomes 0.00006; ExAC 0.00011.
gnomAD v4.1: 184 of 1,613,924 alleles (0.011%); highest among the groups gnomAD compares: Non-Finnish European, 0.015%; no homozygotes.

Submissions (3):

Cambridge Genomics Laboratory, East Genomic Laboratory Hub, NHS Genomic Medicine Service
Classification: Uncertain significance for Congenital hypothyroidism. Last evaluated: 2024-11-13. Review status: criteria provided, single submitter. Criteria: ACGS Best Practice Guidelines for Variant Classification in Rare Disease 2020. Collection method: clinical testing. Allele origin: germline. Affected: yes.
Comment: BP4

Ambry Genetics
Classification: Uncertain significance for Inborn genetic diseases. Last evaluated: 2024-10-12. Review status: criteria provided, single submitter. Criteria: Ambry Variant Classification Scheme 2023. Collection method: clinical testing. Allele origin: germline.

Illumina Laboratory Services, Illumina
Classification: Uncertain significance for Iodotyrosyl coupling defect. Last evaluated: 2018-01-13. Review status: criteria provided, single submitter. Criteria: ICSL Variant Classification Criteria 13 December 2019. Collection method: clinical testing. Allele origin: germline.